The following is an entry in ClinVar:

NM_000138.5(FBN1):c.8284G>T (p.Ala2762Ser)

Gene: FBN1 (fibrillin 1; minus strand). Cytogenetic location: 15q21.1.
Variant type: single nucleotide variant.
Coding change: c.8284G>T on transcript NM_000138.5 (MANE Select); coding-DNA position 8284, G replaced by T.
Protein change: p.Ala2762Ser; replaces alanine 2762 with serine.
Molecular consequence: missense variant.
Genome position (GRCh38, 1-based): chr15:48,411,322, C>A on the plus strand (G>T on the coding strand, the complement: FBN1 is on the minus strand). VCF-style: chr15-48411322-C-A. GRCh37 (hg19) VCF-style: chr15-48703519-C-A.
Other names: c.8284G>T, p.Ala2762Ser (NM_001406716.1); short protein forms A2762S.
Identifiers: ClinVar variation 4756201 (VCV004756201.1).

ClinVar aggregate classification (germline): Uncertain significance (1 of 4 stars; one submission).

Conditions:
Familial thoracic aortic aneurysm and aortic dissection (TAAD). Also called: Thoracic aortic aneurysms and dissections. Identifiers: Orphanet 91387, MedGen C4707243, MONDO:0019625.

gnomAD v4.1: 1 of 1,614,076 alleles (0.000062%); highest among the groups gnomAD compares: Non-Finnish European, 0.000085%; no homozygotes.

Submission:

Color Diagnostics, LLC DBA Color Health
Classification: Uncertain significance for Familial thoracic aortic aneurysm and aortic dissection. Last evaluated: 2025-08-14. Review status: criteria provided, single submitter. Criteria: ACMG Guidelines, 2015. Collection method: clinical testing. Allele origin: germline.
Comment: This missense variant replaces alanine with serine at codon 2762 of the FBN1 protein. Computational prediction suggests that this variant may not impact protein structure and function. To our knowledge, functional studies have not been reported for this variant. This variant has not been reported in individuals affected with FBN1-related disorders in the literature. This variant has not been identified in the general population by the Genome Aggregation Database (gnomAD). The available evidence is insufficient to determine the role of this variant in disease conclusively. Therefore, this variant is classified as a Variant of Uncertain Significance.